The following is an entry in ClinVar:

ClinVar aggregate classification (germline): Likely benign. Review status: criteria provided, multiple submitters, no conflicts (2 of 4 stars). 3 submissions from 3 submitters: Likely benign (2). 1 of the submissions does not count toward it. Last evaluated 2025-10-13.

Conditions:
KIF1A-related disorder. Also called: KIF1A-related disorders; KIF1A-related condition.
Hereditary spastic paraplegia 30. Identifiers: Orphanet 101010, MedGen C5235139, MONDO:0012476.
Intellectual disability, autosomal dominant 9 (NESCAVS). Also called: NESCAV SYNDROME; KIF1A-Related Neurodevelopmental Disorder. Identifiers: Orphanet 662367, MedGen C5393830, MONDO:0013656, OMIM 614255.
Neuropathy, hereditary sensory, type 2C. Also called: KIF1A-Related HSAN2 (HSAN2C); Hereditary sensory and autonomic neuropathy type IIC. Identifiers: Orphanet 970, MedGen C3280168, MONDO:0013634, OMIM 614213.
Neuropathy, hereditary sensory and autonomic, type 2A (HSAN2A). Also called: ACROOSTEOLYSIS, GIACCAI TYPE; ACROOSTEOLYSIS, NEUROGENIC; MORVAN DISEASE; NEUROPATHY, CONGENITAL SENSORY; NEUROPATHY, HEREDITARY SENSORY RADICULAR, AUTOSOMAL RECESSIVE; NEUROPATHY, HEREDITARY SENSORY, TYPE IIA. Identifiers: Orphanet 970, MedGen C2752089, MONDO:0024309, OMIM 201300.

Allele frequency attached by ClinVar (database versions not stated): ExAC 0.00003; TOPMed 0.00004; gnomAD 0.00005 and 0.00006; gnomAD exomes 0.00005 and 0.00017.
gnomAD v4.1: 257 of 1,613,316 alleles (0.016%); highest among the groups gnomAD compares: Non-Finnish European, 0.021%; no homozygotes.

Submissions (3):

Labcorp Genetics (formerly Invitae), Labcorp
Classification: Likely benign for Hereditary spastic paraplegia 30; Neuropathy, hereditary sensory, type 2C; Intellectual disability, autosomal dominant 9. Last evaluated: 2025-10-13. Review status: criteria provided, single submitter. Criteria: Invitae Variant Classification Sherloc (09022015). Collection method: clinical testing. Allele origin: germline.

Fulgent Genetics
Classification: Likely benign for Neuropathy, hereditary sensory and autonomic, type 2A; Spastic paraplegia 30A, autosomal dominant; Neuropathy, hereditary sensory, type 2C; Intellectual disability, autosomal dominant 9. Last evaluated: 2022-01-04. Review status: criteria provided, single submitter. Criteria: ACMG Guidelines, 2015. Collection method: clinical testing. Allele origin: unknown.

PreventionGenetics, part of Exact Sciences
Classification: Likely benign for KIF1A-related condition. Last evaluated: 2020-03-16. Review status: no assertion criteria provided. Collection method: clinical testing. Allele origin: germline. Not counted in ClinVar's aggregate classification.
Comment: This variant is classified as likely benign based on ACMG/AMP sequence variant interpretation guidelines (Richards et al. 2015 PMID: 25741868, with internal and published modifications).

NM_001244008.2(KIF1A):c.1208-14C>T

Gene: KIF1A (kinesin family member 1A; minus strand). Cytogenetic location: 2q37.3.
Variant type: single nucleotide variant.
Coding change: c.1208-14C>T on transcript NM_001244008.2 (MANE Select); 14 bases into the intron before coding-DNA position 1208, C replaced by T.
Molecular consequence: intron variant. On other transcripts: synonymous variant (7).
Genome position (GRCh38, 1-based): chr2:240,771,118, G>A on the plus strand (C>T on the coding strand, the complement: KIF1A is on the minus strand). VCF-style: chr2-240771118-G-A. GRCh37 (hg19) VCF-style: chr2-241710535-G-A.
Other names: c.1269C>T (NM_001330290.1); c.1269C>T, p.Asp423= (NM_001330290.2, NM_001379631.1, NM_001379634.1 and 2 more transcripts); c.1242C>T, p.Asp414= (NM_001379637.1, NM_001379648.1); c.1181-14C>T (NM_001379653.1, NM_001379650.1, NM_001379645.1 and 10 more transcripts); c.1208-14C>T (NM_001320705.2, NM_001379638.1, NM_001330289.2).
Identifiers: ClinVar variation 1602805 (VCV001602805.11), dbSNP rs754002758, ClinGen allele CA2208479.